The following is an entry in ClinVar:

ClinVar aggregate classification (germline): Uncertain significance (1 of 4 stars; one submission).

Conditions:
Malignant hyperthermia, susceptibility to, 5 (MHS5). Also called: CACNA1S-Related Malignant Hyperthermia Susceptibility. Identifiers: Orphanet 423, MedGen C1866077, MONDO:0011163, OMIM 601887.

Allele frequency attached by ClinVar (database versions not stated): TOPMed below 0.00001.

Submission:

All of Us Research Program, National Institutes of Health
Classification: Uncertain significance for Malignant hyperthermia, susceptibility to, 5. Last evaluated: 2023-08-15. Review status: criteria provided, single submitter. Criteria: ACMG Guidelines, 2015. Collection method: clinical testing. Allele origin: germline. Inheritance: Autosomal dominant inheritance. Observed: 2 variant alleles, 2 heterozygotes.
Comment: This missense variant replaces valine with isoleucine at codon 301 of the CACNA1S protein. Computational prediction is inconclusive regarding the impact of this variant on protein structure and function (internally defined REVEL score threshold 0.5 < inconclusive < 0.7, PMID: 27666373). To our knowledge, functional studies have not been reported for this variant. This variant has not been reported in individuals affected with CACNA1S-related disorders in the literature. This variant has not been identified in the general population by the Genome Aggregation Database (gnomAD). The available evidence is insufficient to determine the role of this variant in disease conclusively. Therefore, this variant is classified as a Variant of Uncertain Significance.

This study involves interpretation of variants in research participants for the purpose of population health screening. Participant phenotype was not available at the time of variant classification. Additional details can be found in publication PMID: 35346344, PMCID: PMC8962531

NM_000069.3(CACNA1S):c.901G>A (p.Val301Ile)

Gene: CACNA1S (calcium voltage-gated channel subunit alpha1 S; minus strand). Cytogenetic location: 1q32.1.
Variant type: single nucleotide variant.
Coding change: c.901G>A on transcript NM_000069.3 (MANE Select); coding-DNA position 901, G replaced by A.
Protein change: p.Val301Ile; replaces valine 301 with isoleucine.
Molecular consequence: missense variant.
Genome position (GRCh38, 1-based): chr1:201,087,929, C>T on the plus strand (G>A on the coding strand, the complement: CACNA1S is on the minus strand). VCF-style: chr1-201087929-C-T. GRCh37 (hg19) VCF-style: chr1-201057057-C-T.
Other names: short protein forms V301I.
Identifiers: ClinVar variation 3072618 (VCV003072618.1), dbSNP rs1253485553, ClinGen allele CA344132992.